The following is an entry in ClinVar:

ClinVar aggregate classification (germline): Uncertain significance (1 of 4 stars; one submission).

Allele frequency attached by ClinVar (database versions not stated): TOPMed below 0.00001; gnomAD 0.00001; ESP Exome Variant Server 0.00008.
gnomAD v4.1: 4 of 1,612,978 alleles (0.00025%); highest among the groups gnomAD compares: Non-Finnish European, 0.00034%; no homozygotes.

Submission:

Labcorp Genetics (formerly Invitae), Labcorp
Classification: Uncertain significance. Last evaluated: 2024-01-15. Review status: criteria provided, single submitter. Criteria: Invitae Variant Classification Sherloc (09022015). Collection method: clinical testing. Allele origin: germline.
Comment: This sequence change replaces glycine, which is neutral and non-polar, with alanine, which is neutral and non-polar, at codon 868 of the TTC37 protein (p.Gly868Ala). This variant is not present in population databases (gnomAD no frequency). This variant has not been reported in the literature in individuals affected with TTC37-related conditions. An algorithm developed to predict the effect of missense changes on protein structure and function (PolyPhen-2) suggests that this variant is likely to be disruptive. In summary, the available evidence is currently insufficient to determine the role of this variant in disease. Therefore, it has been classified as a Variant of Uncertain Significance.

NM_014639.4(SKIC3):c.2603G>C (p.Gly868Ala)

Gene: SKIC3 (SKI3 subunit of superkiller complex; minus strand). Cytogenetic location: 5q15.
Variant type: single nucleotide variant.
Coding change: c.2603G>C on transcript NM_014639.4 (MANE Select); coding-DNA position 2603, G replaced by C.
Protein change: p.Gly868Ala; replaces glycine 868 with alanine.
Molecular consequence: missense variant.
Genome position (GRCh38, 1-based): chr5:95,516,384, C>G on the plus strand (G>C on the coding strand, the complement: SKIC3 is on the minus strand). VCF-style: chr5-95516384-C-G. GRCh37 (hg19) VCF-style: chr5-94852088-C-G.
Other names: short protein forms G868A.
Identifiers: ClinVar variation 2969042 (VCV002969042.3), dbSNP rs370304959, ClinGen allele CA122852089.